The following is an entry in ClinVar:

NM_006953.4(UPK3A):c.272A>T (p.Gln91Leu)

Gene: UPK3A (uroplakin 3A; plus strand). Cytogenetic location: 22q13.31.
Variant type: single nucleotide variant.
Coding change: c.272A>T on transcript NM_006953.4 (MANE Select); coding-DNA position 272, A replaced by T.
Protein change: p.Gln91Leu; replaces glutamine 91 with leucine.
Molecular consequence: missense variant. On other transcripts: intron variant (1).
Genome position (GRCh38, 1-based): chr22:45,287,235, A>T. VCF-style: chr22-45287235-A-T. GRCh37 (hg19) VCF-style: chr22-45683116-A-T.
Other names: c.208+1139A>T (NM_001167574.2); short protein forms Q91L.
Identifiers: ClinVar variation 903368 (VCV000903368.6), dbSNP rs6006979, ClinGen allele CA10284341.

ClinVar aggregate classification (germline): Benign. Review status: criteria provided, multiple submitters, no conflicts (2 of 4 stars). 2 submissions from 2 submitters: Benign (2). Last evaluated 2018-01-13.

Conditions:
Renal hypodysplasia/aplasia 1 (RHDA1). Also called: HEREDITARY RENAL APLASIA; RENAL APLASIA. Identifiers: Orphanet 411709, MedGen C1619700, MONDO:0024519, OMIM 191830.

Allele frequency attached by ClinVar (database versions not stated): gnomAD exomes 0.00130 and 0.00333; ExAC 0.00407; gnomAD 0.01256 and 0.01361; TOPMed 0.01374; 1000 Genomes Project 0.01398; 1000 Genomes Project 30x 0.01405; ESP Exome Variant Server 0.01484.
gnomAD v4.1: 3,868 of 1,614,198 alleles (0.24%); highest among the groups gnomAD compares: African/African-American, 4.5%; 74 homozygotes.

Submissions (2):

Illumina Laboratory Services, Illumina
Classification: Benign for Renal hypodysplasia/aplasia 1. Last evaluated: 2018-01-13. Review status: criteria provided, single submitter. Criteria: ICSL Variant Classification Criteria 13 December 2019. Collection method: clinical testing. Allele origin: germline.
Comment: This variant was observed in the ICSL laboratory as part of a predisposition screen in an ostensibly healthy population. It had not been previously curated by ICSL or reported in the Human Gene Mutation Database (HGMD: prior to June 1st, 2018), and was therefore a candidate for classification through an automated scoring system. Utilizing variant allele frequency, disease prevalence and penetrance estimates, and inheritance mode, an automated score was calculated to assess if this variant is too frequent to cause the disease. Based on the score and internal cut-off values, a variant classified as benign is not then subjected to further curation. The score for this variant resulted in a classification of benign for this disease.

Breakthrough Genomics
Classification: Benign. Review status: criteria provided, single submitter. Criteria: ACMG Guidelines, 2015. Collection method: not provided. Allele origin: germline. Inheritance: Unknown mechanism. Affected: yes.